The following is an entry in ClinVar:

ClinVar aggregate classification (germline): Uncertain significance (1 of 4 stars; one submission).

Conditions:
Neuronal ceroid lipofuscinosis. Also called: Neuronal Ceroid Lipofuscinoses. Identifiers: Orphanet 216, Orphanet 79263, MedGen C0027877, MONDO:0016295. Disease mechanism: loss of function.

Allele frequency attached by ClinVar (database versions not stated): gnomAD exomes below 0.00001.
gnomAD v4.1: 1 of 1,613,888 alleles (0.000062%); highest among the groups gnomAD compares: African/African-American, 0.0013%; no homozygotes.

Submission:

Labcorp Genetics (formerly Invitae), Labcorp
Classification: Uncertain significance for Neuronal ceroid lipofuscinosis. Last evaluated: 2022-08-08. Review status: criteria provided, single submitter. Criteria: Invitae Variant Classification Sherloc (09022015). Collection method: clinical testing. Allele origin: germline.
Comment: This sequence change replaces histidine, which is basic and polar, with tyrosine, which is neutral and polar, at codon 120 of the CLN3 protein (p.His120Tyr). This variant is not present in population databases (gnomAD no frequency). This variant has not been reported in the literature in individuals affected with CLN3-related conditions. Algorithms developed to predict the effect of missense changes on protein structure and function are either unavailable or do not agree on the potential impact of this missense change (SIFT: "Tolerated"; PolyPhen-2: "Probably Damaging"; Align-GVGD: "Class C0"). In summary, the available evidence is currently insufficient to determine the role of this variant in disease. Therefore, it has been classified as a Variant of Uncertain Significance.

NM_001042432.2(CLN3):c.358C>T (p.His120Tyr)

Gene: CLN3 (CLN3 lysosomal/endosomal transmembrane protein, battenin; minus strand). Cytogenetic location: 16p12.1.
Variant type: single nucleotide variant.
Coding change: c.358C>T on transcript NM_001042432.2 (MANE Select); coding-DNA position 358, C replaced by T.
Protein change: p.His120Tyr; replaces histidine 120 with tyrosine.
Molecular consequence: missense variant. On other transcripts: intron variant (1).
Genome position (GRCh38, 1-based): chr16:28,487,678, G>A on the plus strand (C>T on the coding strand, the complement: CLN3 is on the minus strand). VCF-style: chr16-28487678-G-A. GRCh37 (hg19) VCF-style: chr16-28498999-G-A.
Other names: c.358C>T, p.His120Tyr (NM_000086.2); c.286C>T, p.His96Tyr (NM_001286104.2); c.124C>T, p.His42Tyr (NM_001286109.2); c.196C>T, p.His66Tyr (NM_001286110.2); c.75-137C>T (NM_001286105.2); short protein forms H42Y, H66Y, H120Y, H96Y.
Identifiers: ClinVar variation 2139852 (VCV002139852.1), dbSNP rs145749864, ClinGen allele CA279785411.
Genomic context (GRCh38, chr16:28,487,678, plus strand): 5'-TCTCAGCTCCTGCCCACCCTGCCTCCCACTACCCTCACCCAGACCTGTAGGGCAGCAGGT[G>A]AAGGCCAAGAGGAGCCAACAATTTGATGACGAGTGTGGGGAGGATGTCCGCCAGGAGCAC-3'
Protein context (NP_001035897.1, residues 110-130): VIKLLAPLGL[His120Tyr]LLPYSPRVLV